The following is an entry in ClinVar:

NM_001038.6(SCNN1A):c.*3G>A

Gene: SCNN1A (sodium channel epithelial 1 subunit alpha; minus strand). Cytogenetic location: 12p13.31.
Variant type: single nucleotide variant.
Coding change: c.*3G>A on transcript NM_001038.6 (MANE Select); 3 bases downstream of the stop codon, G replaced by A.
Molecular consequence: 3 prime UTR variant.
Genome position (GRCh38, 1-based): chr12:6,347,870, C>T on the plus strand (G>A on the coding strand, the complement: SCNN1A is on the minus strand). VCF-style: chr12-6347870-C-T. GRCh37 (hg19) VCF-style: chr12-6457036-C-T.
Other names: c.*3G>A (NM_001159575.2, NM_001159576.2).
Identifiers: ClinVar variation 3050527 (VCV003050527.2), dbSNP rs981417135, ClinGen allele CA232343048.

ClinVar aggregate classification (germline): Likely benign (0 of 4 stars; one submission).

Conditions:
SCNN1A-related disorder. Also called: SCNN1A-related condition; SCNN1A-related disorders.

Submission:

PreventionGenetics, part of Exact Sciences
Classification: Likely benign for SCNN1A-related condition. Last evaluated: 2019-07-24. Review status: no assertion criteria provided. Collection method: clinical testing. Allele origin: germline.
Comment: This variant is classified as likely benign based on ACMG/AMP sequence variant interpretation guidelines (Richards et al. 2015 PMID: 25741868, with internal and published modifications).